The following is an entry in ClinVar:

ClinVar aggregate classification (germline): Pathogenic (1 of 4 stars; one submission).

Conditions:
Osteogenesis imperfecta type I (OI1). Also called: Lobstein's Disease; Osteogenesis imperfecta type 1; Lobstein disease; OI, TYPE I; OSTEOGENESIS IMPERFECTA TARDA; OSTEOGENESIS IMPERFECTA WITH BLUE SCLERAE. Identifiers: Orphanet 216796, Orphanet 666, MedGen C0023931, MONDO:0008146, OMIM 166200. Disease mechanism: loss of function.

Submission:

MGZ Medical Genetics Center
Classification: Pathogenic for Osteogenesis imperfecta type I. Last evaluated: 2022-01-18. Review status: criteria provided, single submitter. Criteria: ACMG Guidelines, 2015. Collection method: clinical testing. Allele origin: germline. Affected: yes. Observed: 1 variant allele.
Comment: ACMG criteria applied: PVS1, PS4_SUP, PM2_SUP

NM_000088.4(COL1A1):c.3531+1G>T

Gene: COL1A1 (collagen type I alpha 1 chain; minus strand). Cytogenetic location: 17q21.33.
Variant type: single nucleotide variant.
Coding change: c.3531+1G>T on transcript NM_000088.4 (MANE Select); the canonical splice donor site of the intron after coding-DNA position 3531, G replaced by T.
Molecular consequence: splice donor variant.
Genome position (GRCh38, 1-based): chr17:50,187,014, C>A on the plus strand (G>T on the coding strand, the complement: COL1A1 is on the minus strand). VCF-style: chr17-50187014-C-A. GRCh37 (hg19) VCF-style: chr17-48264375-C-A.
Identifiers: ClinVar variation 1709116 (VCV001709116.2), dbSNP rs72656326, ClinGen allele CA400198469.
Genomic context (GRCh38, chr17:50,187,014, plus strand): 5'-CGGCATCCAAGTGCTTTGGGGGCTGGAGGGCCATGAGCAGAGGGGATGAGGGGCTACATA[C>A]AACAGGACCAGCATCACCAGTGCGACCGCGAGGACCAGGGGGCCCAATGGGGCCAGGGAG-3'